The following is an entry in ClinVar:

NM_016373.4(WWOX):c.825G>T (p.Leu275=)

Gene: WWOX (WW domain containing oxidoreductase; plus strand). Cytogenetic location: 16q23.1.
Variant type: single nucleotide variant.
Coding change: c.825G>T on transcript NM_016373.4 (MANE Select); coding-DNA position 825, G replaced by T.
Protein change: p.Leu275=; no amino-acid change (leucine 275 retained).
Molecular consequence: synonymous variant.
Genome position (GRCh38, 1-based): chr16:78,432,521, G>T. VCF-style: chr16-78432521-G-T. GRCh37 (hg19) VCF-style: chr16-78466418-G-T.
Other names: c.486G>T, p.Leu162= (NM_001291997.2).
Identifiers: ClinVar variation 2933633 (VCV002933633.4), dbSNP rs1254368237, ClinGen allele CA496697942.

ClinVar aggregate classification (germline): Likely benign. Review status: criteria provided, multiple submitters, no conflicts (2 of 4 stars). 2 submissions from 2 submitters: Likely benign (2). Last evaluated 2026-07-01.

Conditions:
Autosomal recessive spinocerebellar ataxia 12. Also called: SPINOCEREBELLAR ATAXIA WITH MENTAL RETARDATION AND EPILEPSY. Identifiers: Orphanet 284282, MedGen C3280452, MONDO:0013687, OMIM 614322.
Developmental and epileptic encephalopathy, 1 (DEE1). Also called: OHTAHARA SYNDROME, X-LINKED; INFANTILE SPASM SYNDROME, X-LINKED 1; Epileptic encephalopathy, early infantile, 1; X-linked infantile spasms; West's syndrome; Tonic spasms with clustering, arrest of psychomotor development and hypsarrhythmia on EEG. Identifiers: MedGen C3463992, MONDO:0010632, OMIM 308350. Disease mechanism: loss of function.

Allele frequency attached by ClinVar (database versions not stated): TOPMed below 0.00001.

Submissions (2):

CeGaT Center for Human Genetics Tuebingen
Classification: Likely benign. Last evaluated: 2026-07-01. Review status: criteria provided, single submitter. Criteria: CeGaT Center For Human Genetics Tuebingen Variant Classification Criteria Version 2. Collection method: clinical testing. Allele origin: germline. Affected: yes. Observed: 1 variant allele.
Comment: WWOX: PM2:Supporting, BP4, BP7

Labcorp Genetics (formerly Invitae), Labcorp
Classification: Likely benign for Developmental and epileptic encephalopathy, 1; Autosomal recessive spinocerebellar ataxia 12. Last evaluated: 2023-05-16. Review status: criteria provided, single submitter. Criteria: Invitae Variant Classification Sherloc (09022015). Collection method: clinical testing. Allele origin: germline.